The following is an entry in ClinVar:

NM_019594.4(LRRC8A):c.221C>T (p.Ala74Val)

Gene: LRRC8A (leucine rich repeat containing 8 VRAC subunit A; plus strand). Cytogenetic location: 9q34.11.
Variant type: single nucleotide variant.
Coding change: c.221C>T on transcript NM_019594.4 (MANE Select); coding-DNA position 221, C replaced by T.
Protein change: p.Ala74Val; replaces alanine 74 with valine.
Molecular consequence: missense variant.
Genome position (GRCh38, 1-based): chr9:128,907,385, C>T. VCF-style: chr9-128907385-C-T. GRCh37 (hg19) VCF-style: chr9-131669664-C-T.
Other names: c.221C>T, p.Ala74Val (NM_001127244.2, NM_001127245.2); short protein forms A74V.
Identifiers: ClinVar variation 4781804 (VCV004781804.1).

ClinVar aggregate classification (germline): Uncertain significance (1 of 4 stars; one submission).

gnomAD v4.1: 2 of 1,613,454 alleles (0.00012%); highest among the groups gnomAD compares: African/African-American, 0.0013%; no homozygotes.

Submission:

Labcorp Genetics (formerly Invitae), Labcorp
Classification: Uncertain significance. Last evaluated: 2025-08-31. Review status: criteria provided, single submitter. Criteria: Invitae Variant Classification Sherloc (09022015). Collection method: clinical testing. Allele origin: germline.
Comment: This sequence change replaces alanine, which is neutral and non-polar, with valine, which is neutral and non-polar, at codon 74 of the LRRC8A protein (p.Ala74Val). This variant is not present in population databases (gnomAD no frequency). This variant has not been reported in the literature in individuals affected with LRRC8A-related conditions. An algorithm developed to predict the effect of missense changes on protein structure and function (PolyPhen-2) suggests that this variant is likely to be tolerated. In summary, the available evidence is currently insufficient to determine the role of this variant in disease. Therefore, it has been classified as a Variant of Uncertain Significance.